The following is an entry in ClinVar:

NM_001458.5(FLNC):c.5291C>A (p.Thr1764Lys)

Gene: FLNC (filamin C; plus strand). Cytogenetic location: 7q32.1.
Variant type: single nucleotide variant.
Coding change: c.5291C>A on transcript NM_001458.5 (MANE Select); coding-DNA position 5291, C replaced by A.
Protein change: p.Thr1764Lys; replaces threonine 1764 with lysine.
Molecular consequence: missense variant. On other transcripts: intron variant (1).
Genome position (GRCh38, 1-based): chr7:128,850,067, C>A. VCF-style: chr7-128850067-C-A. GRCh37 (hg19) VCF-style: chr7-128490121-C-A.
Other names: c.5200-317C>A (NM_001127487.2); short protein forms T1764K.
Identifiers: ClinVar variation 664663 (VCV000664663.9), dbSNP rs1585165259, ClinGen allele CA369204764.

ClinVar aggregate classification (germline): Uncertain significance (1 of 4 stars; one submission).

Conditions:
Myofibrillar myopathy 5. Also called: FILAMINOPATHY, AUTOSOMAL DOMINANT; Filaminopathy (type). Identifiers: Orphanet 171445, MedGen C1836050, MONDO:0012289, OMIM 609524.
Distal myopathy with posterior leg and anterior hand involvement. Also called: WILLIAMS DISTAL MYOPATHY. Identifiers: Orphanet 63273, MedGen C3279722, MONDO:0013550, OMIM 614065.
Hypertrophic cardiomyopathy 26. Also called: Cardiomyopathy, familial hypertrophic, 26. Identifiers: Orphanet 75249, MedGen C4310749, MONDO:0014883, OMIM 617047.

Allele frequency attached by ClinVar (database versions not stated): gnomAD exomes below 0.00001; TOPMed below 0.00001; gnomAD 0.00001.
gnomAD v4.1: 2 of 1,538,686 alleles (0.00013%); highest among the groups gnomAD compares: Non-Finnish European, 0.000087%; no homozygotes.

Submission:

Labcorp Genetics (formerly Invitae), Labcorp
Classification: Uncertain significance for Distal myopathy with posterior leg and anterior hand involvement; Myofibrillar myopathy 5; Hypertrophic cardiomyopathy 26. Last evaluated: 2025-03-17. Review status: criteria provided, single submitter. Criteria: Invitae Variant Classification Sherloc (09022015). Collection method: clinical testing. Allele origin: germline.
Comment: This sequence change replaces threonine, which is neutral and polar, with lysine, which is basic and polar, at codon 1764 of the FLNC protein (p.Thr1764Lys). This variant is not present in population databases (gnomAD no frequency). This variant has not been reported in the literature in individuals affected with FLNC-related conditions. ClinVar contains an entry for this variant (Variation ID: 664663). An algorithm developed to predict the effect of missense changes on protein structure and function (PolyPhen-2) suggests that this variant is likely to be tolerated. In summary, the available evidence is currently insufficient to determine the role of this variant in disease. Therefore, it has been classified as a Variant of Uncertain Significance.